The following is an entry in ClinVar:

NM_001321075.3(DLG4):c.359T>C (p.Val120Ala)

Gene: DLG4 (discs large MAGUK scaffold protein 4; minus strand). Cytogenetic location: 17p13.1.
Variant type: single nucleotide variant.
Coding change: c.359T>C on transcript NM_001321075.3 (MANE Select); coding-DNA position 359, T replaced by C.
Protein change: p.Val120Ala; replaces valine 120 with alanine.
Molecular consequence: missense variant. On other transcripts: non-coding transcript variant (1).
Genome position (GRCh38, 1-based): chr17:7,203,570, A>G on the plus strand (T>C on the coding strand, the complement: DLG4 is on the minus strand). VCF-style: chr17-7203570-A-G. GRCh37 (hg19) VCF-style: chr17-7106889-A-G.
Other names: c.350T>C, p.Val117Ala (NM_001128827.4); c.479T>C, p.Val160Ala (NM_001321074.1); c.179T>C, p.Val60Ala (NM_001321076.3, NM_001321077.3); c.488T>C, p.Val163Ala (NM_001365.5); c.278T>C, p.Val93Ala (NM_001369566.3); short protein forms V117A, V120A, V160A, V163A, V60A, V93A.
Identifiers: ClinVar variation 3373458 (VCV003373458.1).
Genomic context (GRCh38, chr17:7,203,570, plus strand): 5'-GCCTCTTTGAGGGCTTCCACCGCCGCTGAGTGGGTCACCTCGCGCACGTCCACTTCATTT[A>G]CAAACAGGATGCTGTCGTTGACCCTGGGAGCAGCAAGGTGGGCCTGAGCCAAGAGCTTCC-3'
Protein context (NP_001308004.1, residues 110-130): RLRVNDSILF[Val120Ala]NEVDVREVTH

ClinVar aggregate classification (germline): Uncertain significance (1 of 4 stars; one submission).

Submission:

GeneDx
Classification: Uncertain significance. Last evaluated: 2024-03-07. Review status: criteria provided, single submitter. Criteria: GeneDx Variant Classification Process June 2021. Collection method: clinical testing. Allele origin: germline. Affected: yes.
Comment: Not observed at significant frequency in large population cohorts (gnomAD); In silico analysis supports that this missense variant has a deleterious effect on protein structure/function; Has not been previously published as pathogenic or benign to our knowledge